The following is an entry in ClinVar:

NM_004360.5(CDH1):c.680C>T (p.Thr227Ile)

Gene: CDH1 (cadherin 1; plus strand). Cytogenetic location: 16q22.1.
Variant type: single nucleotide variant.
Coding change: c.680C>T on transcript NM_004360.5 (MANE Select); coding-DNA position 680, C replaced by T.
Protein change: p.Thr227Ile; replaces threonine 227 with isoleucine.
Molecular consequence: missense variant. On other transcripts: 5 prime UTR variant (2).
Genome position (GRCh38, 1-based): chr16:68,808,841, C>T. VCF-style: chr16-68808841-C-T. GRCh37 (hg19) VCF-style: chr16-68842744-C-T.
Other names: c.680C>T, p.Thr227Ile (NM_001317184.2); c.-936C>T (NM_001317185.2); c.-1140C>T (NM_001317186.2); short protein forms T227I.
Identifiers: ClinVar variation 2082365 (VCV002082365.6), dbSNP rs2152130310, ClinGen allele CA396458146.

ClinVar aggregate classification (germline): Conflicting classifications of pathogenicity. Review status: criteria provided, conflicting classifications (1 of 4 stars). 2 submissions from 2 submitters: Uncertain significance (1); Likely benign (1). Last evaluated 2026-06-22.

Conditions:
Hereditary cancer-predisposing syndrome. Also called: Tumor predisposition; Hereditary Cancer Syndrome; Hereditary neoplastic syndrome; Neoplastic Syndromes, Hereditary. Identifiers: Orphanet 140162, MedGen C0027672, MeSH D009386, MONDO:0015356.
Hereditary diffuse gastric adenocarcinoma (HDGC). Also called: DIFFUSE GASTRIC AND LOBULAR BREAST CANCER SYNDROME. Identifiers: Orphanet 26106, MedGen C1708349, MONDO:0007648, OMIM 137215.

Submissions (2):

Ambry Genetics
Classification: Likely benign for Hereditary cancer-predisposing syndrome. Last evaluated: 2026-06-22. Review status: criteria provided, single submitter. Criteria: Ambry Variant Classification Scheme 2023. Collection method: clinical testing. Allele origin: germline.

Labcorp Genetics (formerly Invitae), Labcorp
Classification: Uncertain significance for Hereditary diffuse gastric adenocarcinoma. Last evaluated: 2022-08-28. Review status: criteria provided, single submitter. Criteria: Invitae Variant Classification Sherloc (09022015). Collection method: clinical testing. Allele origin: germline.
Comment: Algorithms developed to predict the effect of missense changes on protein structure and function (SIFT, PolyPhen-2, Align-GVGD) all suggest that this variant is likely to be tolerated. This variant has not been reported in the literature in individuals affected with CDH1-related conditions. This variant is not present in population databases (gnomAD no frequency). This sequence change replaces threonine, which is neutral and polar, with isoleucine, which is neutral and non-polar, at codon 227 of the CDH1 protein (p.Thr227Ile). In summary, the available evidence is currently insufficient to determine the role of this variant in disease. Therefore, it has been classified as a Variant of Uncertain Significance.